The following is an entry in ClinVar:

ClinVar aggregate classification (germline): Pathogenic. Review status: criteria provided, multiple submitters, no conflicts (2 of 4 stars). 5 submissions from 5 submitters: Pathogenic (5). Last evaluated 2026-08-03.

Conditions:
Paroxysmal central nervous system disorders.
ATP1A2-related disorder. Also called: ATP1A2-related condition; ATP1A2-RELATED DISORDERS.
Familial hemiplegic migraine. Identifiers: MedGen C0338484, MONDO:0000700.

Allele frequency attached by ClinVar (database versions not stated): gnomAD exomes below 0.00001.
gnomAD v4.1: 2 of 1,614,160 alleles (0.00012%); highest among the groups gnomAD compares: Non-Finnish European, 0.00017%; no homozygotes.

Submissions (5):

PreventionGenetics, part of Exact Sciences
Classification: Pathogenic for ATP1A2-related condition. Last evaluated: 2026-08-03. Review status: criteria provided, single submitter. Criteria: ACMG Guidelines, 2015. Collection method: clinical testing. Allele origin: germline.
Comment: The ATP1A2 c.1816G>A variant is predicted to result in the amino acid substitution p.Ala606Thr. This variant was reported in the heterozygous state in numerous individuals with hemiplegic migraine and was found to co-segregate in at least four unrelated families (Riant et al. 2005. PubMed ID: 16088919; Jen et al. 2007. PubMed ID: 17435187; Podestà et al. 2011. PubMed ID: 21908445; Carreño et al. 2013. PubMed ID: 24498617; Hiekkala et al. 2018. PubMed ID: 29486580). Functional studies showed that this variant alters the sodium–potassium pump function (Tavraz et al. 2008. PubMed ID: 18728015). This variant is reported in 0.0046% of alleles in individuals of European (Finnish) descent in gnomAD. This variant is interpreted as pathogenic.

Genetics Laboratory, Great Ormond Street Hospital NHS Foundation Trust, North Thames Genomic Laboratory Hub
Classification: Pathogenic for Paroxysmal central nervous system disorders. Last evaluated: 2026-03-26. Review status: criteria provided, single submitter. Criteria: ACGS Best Practice Guidelines for Variant Classification in Rare Disease 2024 v1.2. Collection method: clinical testing. Allele origin: germline. Affected: yes.
Comment: PS4_moderate, PM2_moderate, PP3_supporting, PS3_supporting, PP1_strong

Labcorp Genetics (formerly Invitae), Labcorp
Classification: Pathogenic for Familial hemiplegic migraine. Last evaluated: 2025-05-13. Review status: criteria provided, single submitter. Criteria: Invitae Variant Classification Sherloc (09022015). Collection method: clinical testing. Allele origin: germline.
Comment: This sequence change replaces alanine, which is neutral and non-polar, with threonine, which is neutral and polar, at codon 606 of the ATP1A2 protein (p.Ala606Thr). The frequency data for this variant in the population databases is considered unreliable, as metrics indicate poor data quality at this position in the gnomAD database. This missense change has been observed in individuals with autosomal dominant familial hemiplegic migraine (PMID: 16088919, 24498617). It has also been observed to segregate with disease in related individuals. ClinVar contains an entry for this variant (Variation ID: 449379). Invitae Evidence Modeling of protein sequence and biophysical properties (such as structural, functional, and spatial information, amino acid conservation, physicochemical variation, residue mobility, and thermodynamic stability) indicates that this missense variant is expected to disrupt ATP1A2 protein function with a positive predictive value of 80%. Experimental studies have shown that this missense change affects ATP1A2 function (PMID: 18728015). For these reasons, this variant has been classified as Pathogenic.

GeneDx
Classification: Pathogenic. Last evaluated: 2025-04-07. Review status: criteria provided, single submitter. Criteria: GeneDx Variant Classification Process June 2021. Collection method: clinical testing. Allele origin: germline. Affected: yes.
Comment: Published functional studies demonstrate a damaging effect on sodium-potassium pump function (PMID: 18728015, 17435187); In silico analysis supports that this missense variant has a deleterious effect on protein structure/function; This variant is associated with the following publications: (PMID: 17435187, 21908445, 18451712, 22940869, 22067897, 29486580, 28445178, 37563452, Maksemous2019article, 18184292, 18728015, 24498617, 16088919)

Clinical Genetics Laboratory, Skane University Hospital Lund
Classification: Pathogenic. Last evaluated: 2023-07-26. Review status: criteria provided, single submitter. Criteria: ACMG Guidelines, 2015. Collection method: clinical testing. Allele origin: germline. Affected: yes.

Literature cited by the submitters: PubMed 16088919 (cited by Labcorp Genetics (formerly Invitae), Labcorp); PubMed 24498617 (cited by Labcorp Genetics (formerly Invitae), Labcorp); PubMed 18728015 (cited by Labcorp Genetics (formerly Invitae), Labcorp).

NM_000702.4(ATP1A2):c.1816G>A (p.Ala606Thr)

Gene: ATP1A2 (ATPase Na+/K+ transporting subunit alpha 2; plus strand). Cytogenetic location: 1q23.2.
Variant type: single nucleotide variant.
Coding change: c.1816G>A on transcript NM_000702.4 (MANE Select); coding-DNA position 1816, G replaced by A.
Protein change: p.Ala606Thr; replaces alanine 606 with threonine.
Molecular consequence: missense variant.
Genome position (GRCh38, 1-based): chr1:160,130,586, G>A. VCF-style: chr1-160130586-G-A. GRCh37 (hg19) VCF-style: chr1-160100376-G-A.
Other names: short protein forms A606T.
Identifiers: ClinVar variation 449379 (VCV000449379.14), dbSNP rs1414742926, ClinGen allele CA343244541.
Genomic context (GRCh38, chr1:160,130,586, plus strand): 5'-ATGTCTATGATTGACCCTCCCCGGGCTGCTGTGCCAGATGCTGTGGGCAAGTGCCGAAGC[G>A]CAGGCATCAAGGTACTGGCCTCCCATCCTCCCCTCCATTCTAGCCTCCCCCATGCCAGAG-3'
Protein context (NP_000693.1, residues 596-616): VPDAVGKCRS[Ala606Thr]GIKVIMVTGD